The following is an entry in ClinVar:

NM_000245.4(MET):c.16G>A (p.Val6Met)

Gene: MET (MET proto-oncogene, receptor tyrosine kinase; plus strand). Cytogenetic location: 7q31.2.
Variant type: single nucleotide variant.
Coding change: c.16G>A on transcript NM_000245.4 (MANE Select); coding-DNA position 16, G replaced by A.
Protein change: p.Val6Met; replaces valine 6 with methionine.
Molecular consequence: missense variant. On other transcripts: intron variant (1).
Genome position (GRCh38, 1-based): chr7:116,699,100, G>A. VCF-style: chr7-116699100-G-A. GRCh37 (hg19) VCF-style: chr7-116339154-G-A.
Other names: c.16G>A, p.Val6Met (NM_001127500.3, NM_001324401.3); c.-91+26523G>A (NM_001324402.2); short protein forms V6M.
Identifiers: ClinVar variation 1778331 (VCV001778331.9), dbSNP rs1395233386, ClinGen allele CA368968168.
Genomic context (GRCh38, chr7:116,699,100, plus strand): 5'-AACTGCTCTCGCCTTGAACCTGTTTTGGCAGATAAACCTCTCATAATGAAGGCCCCCGCT[G>A]TGCTTGCACCTGGCATCCTCGTGCTCCTGTTTACCTTGGTGCAGAGGAGCAATGGGGAGT-3'
Protein context (NP_000236.2, residues 1-16): MKAPA[Val6Met]LAPGILVLLF

ClinVar aggregate classification (germline): Uncertain significance. Review status: criteria provided, multiple submitters, no conflicts (2 of 4 stars). 2 submissions from 2 submitters: Uncertain significance (2). Last evaluated 2025-05-02.

Conditions:
Renal cell carcinoma. Identifiers: Orphanet 217071, MedGen C0007134, MeSH D002292, MONDO:0005086, HP:0005584.
Hereditary cancer-predisposing syndrome. Also called: Neoplastic Syndromes, Hereditary; Tumor predisposition; Hereditary Cancer Syndrome; Hereditary neoplastic syndrome. Identifiers: Orphanet 140162, MedGen C0027672, MeSH D009386, MONDO:0015356.

Allele frequency attached by ClinVar (database versions not stated): gnomAD 0.00002.
gnomAD v4.1: 3 of 1,613,744 alleles (0.00019%); highest among the groups gnomAD compares: African/African-American, 0.004%; no homozygotes.

Submissions (2):

Ambry Genetics
Classification: Uncertain significance for Hereditary cancer-predisposing syndrome. Last evaluated: 2025-05-02. Review status: criteria provided, single submitter. Criteria: Ambry Variant Classification Scheme 2023. Collection method: clinical testing. Allele origin: germline.
Comment: The p.V6M variant (also known as c.16G>A), located in coding exon 1 of the MET gene, results from a G to A substitution at nucleotide position 16. The valine at codon 6 is replaced by methionine, an amino acid with highly similar properties. This amino acid position is not well conserved in available vertebrate species. In addition, this alteration is predicted to be tolerated by in silico analysis. Since supporting evidence is limited at this time, the clinical significance of this alteration remains unclear.

Labcorp Genetics (formerly Invitae), Labcorp
Classification: Uncertain significance for Renal cell carcinoma. Last evaluated: 2024-03-14. Review status: criteria provided, single submitter. Criteria: Invitae Variant Classification Sherloc (09022015). Collection method: clinical testing. Allele origin: germline.
Comment: This sequence change replaces valine, which is neutral and non-polar, with methionine, which is neutral and non-polar, at codon 6 of the MET protein (p.Val6Met). This variant is not present in population databases (gnomAD no frequency). This variant has not been reported in the literature in individuals affected with MET-related conditions. ClinVar contains an entry for this variant (Variation ID: 1778331). An algorithm developed to predict the effect of missense changes on protein structure and function (PolyPhen-2) suggests that this variant is likely to be tolerated. In summary, the available evidence is currently insufficient to determine the role of this variant in disease. Therefore, it has been classified as a Variant of Uncertain Significance.